The following is an entry in ClinVar:

NM_016628.5(WAC):c.252_253del (p.His84fs)

Gene: WAC (WW domain containing adaptor with coiled-coil; plus strand). Cytogenetic location: 10p12.1.
Variant type: Microsatellite.
Coding change: c.252_253del on transcript NM_016628.5 (MANE Select); coding-DNA positions 252 to 253, 2 bases deleted (CA; older notation c.252_253delCA).
Protein change: p.His84fs; shifts the reading frame from histidine 84.
Molecular consequence: frameshift variant.
Genome position (GRCh38, 1-based): chr10:28,535,735-28,535,736, CA deleted; deleting any 2 consecutive bases within chr10:28,535,733-28,535,736 gives the same sequence; the c. name uses the placement nearest the transcript's 3' end. VCF-style (leftmost placement, unchanged base first): chr10-28535732-TCA-T. GRCh37 (hg19) VCF-style: chr10-28824661-TCA-T.
Other names: c.117_118del, p.His39fs (NM_100264.3); c.252_253del, p.His84fs (NM_100486.4); short protein forms H39fs, H84fs.
Identifiers: ClinVar variation 432966 (VCV000432966.2), dbSNP rs1554776446, ClinGen allele CA645372878.

ClinVar aggregate classification (germline): Pathogenic (1 of 4 stars; one submission).

Submission:

GeneDx
Classification: Pathogenic. Last evaluated: 2017-06-26. Review status: criteria provided, single submitter. Criteria: GeneDx Variant Classification (06012015). Collection method: clinical testing. Allele origin: germline. Affected: yes.
Comment: The c.252_253delCA variant in the WAC gene has not been reported previously as a pathogenic variant nor as a benign variant, to our knowledge. The c.252_253delCA variant causes a frameshift starting with codon Histidine 84, changes this amino acid to a Glutamine residue, and creates a premature Stop codon at position 3 of the new reading frame, denoted p.His84GlnfsX3. This variant is predicted to cause loss of normal protein function either through protein truncation or nonsense-mediated mRNA decay. The c.252_253delCA variant is not observed in large population cohorts (Lek et al., 2016; 1000 Genomes Consortium et al., 2015; Exome Variant Server). We interpret c.252_253delCA as a pathogenic variant.